The following is an entry in ClinVar:

ClinVar aggregate classification (germline): Conflicting classifications of pathogenicity. Review status: criteria provided, conflicting classifications (1 of 4 stars). 10 submissions from 9 submitters: Uncertain significance (9); Likely benign (1). Last evaluated 2026-08-27.

Conditions:
Inborn genetic diseases. Identifiers: MedGen C0950123, MeSH D030342.
Charcot-Marie-Tooth disease type 4C (CMT4C). Also called: Charcot-Marie-Tooth Neuropathy Type 4C (CMT4C); SH3TC2-Related Hereditary Motor and Sensory Neuropathy; CHARCOT-MARIE-TOOTH DISEASE, DEMYELINATING, AUTOSOMAL RECESSIVE, TYPE 4C; CHARCOT-MARIE-TOOTH DISEASE, DEMYELINATING, TYPE 4C; CMT 4C. Identifiers: Orphanet 99949, MedGen C1866636, MONDO:0011113, OMIM 601596.
Susceptibility to mononeuropathy of the median nerve, mild. Also called: CARPAL TUNNEL SYNDROME, SUSCEPTIBILITY TO. Identifiers: MedGen C3150596, MONDO:0013237, OMIM 613353.
Charcot-Marie-Tooth disease. Also called: Charcot-Marie-Tooth Hereditary Neuropathy; Charcot-Marie-Tooth Neuropathy. Identifiers: Orphanet 166, MedGen C0007959, MONDO:0015626.
SH3TC2-related disorder. Also called: SH3TC2-related disorders; SH3TC2-related condition. Identifiers: MedGen CN239303.
Charcot-Marie-Tooth disease type 4. Also called: Charcot-Marie-Tooth disease, type IV; Charcot-Marie-Tooth, Type 4. Identifiers: Orphanet 64749, MedGen C4082197, MONDO:0018995.

Allele frequency attached by ClinVar (database versions not stated): gnomAD 0.00006; ESP Exome Variant Server 0.00008; TOPMed 0.00010; gnomAD exomes 0.00011 and 0.00016; ExAC 0.00014.
gnomAD v4.1: 247 of 1,614,050 alleles (0.015%); highest among the groups gnomAD compares: Middle Eastern, 0.15%; no homozygotes.

Submissions (10):

PreventionGenetics, part of Exact Sciences
Classification: Uncertain significance for SH3TC2-related condition. Last evaluated: 2026-08-27. Review status: criteria provided, single submitter. Criteria: ACMG Guidelines, 2015. Collection method: clinical testing. Allele origin: germline.
Comment: The SH3TC2 c.1721A>G variant is predicted to result in the amino acid substitution p.Asn574Ser. This variant was reported along with a second SH3TC2 variant (p.Ala673Thr) in one individual with polyneuropathy, hearing loss, cerebellar ataxia, retinitis pigmentosa, and early-onset cataracts harboring a homozygous causative ABHD12 variant (Thimm et al. 2020. PubMed ID: 32077159). This variant was reported in an individual with Charcot-Marie-Tooth disease (Table S2, Volodarsky et al. 2021. PubMed ID: 32376792). This variant is reported in 0.014% of alleles in individuals of European (Non-Finnish) descent in gnomAD. At this time, the clinical significance of this variant is uncertain due to the absence of conclusive functional and genetic evidence.

Ambry Genetics
Classification: Uncertain significance for Inborn genetic diseases. Last evaluated: 2025-11-20. Review status: criteria provided, single submitter. Criteria: Ambry Variant Classification Scheme 2023. Collection method: clinical testing. Allele origin: germline.

Labcorp Genetics (formerly Invitae), Labcorp
Classification: Likely benign for Charcot-Marie-Tooth disease type 4. Last evaluated: 2025-11-16. Review status: criteria provided, single submitter. Criteria: Invitae Variant Classification Sherloc (09022015). Collection method: clinical testing. Allele origin: germline.

Women's Health and Genetics/Laboratory Corporation of America, LabCorp
Classification: Uncertain significance. Last evaluated: 2025-09-04. Review status: criteria provided, single submitter. Criteria: LabCorp Variant Classification Summary - May 2015. Collection method: clinical testing. Allele origin: germline.
Comment: Variant summary: SH3TC2 c.1721A>G (p.Asn574Ser) results in a conservative amino acid change in the encoded protein sequence. Algorithms developed to predict the effect of missense changes on protein structure and function are either unavailable or do not agree on the potential impact of this missense change. The variant allele was found at a frequency of 0.00011 in 250626 control chromosomes (gnomAD). This frequency is not significantly higher than estimated for disease-causing variants in SH3TC2, allowing no conclusion about variant significance. c.1721A>G has been observed in one individual affected with Charcot-Marie-Tooth disease (Volodarsky_2021). The report does not provide unequivocal conclusions about association of the variant with Charcot-Marie-Tooth disease type 4C. To our knowledge, no experimental evidence demonstrating an impact on protein function has been reported. The following publication have been ascertained in the context of this evaluation (PMID: 32376792). ClinVar contains an entry for this variant (Variation ID: 351913). Based on the evidence outlined above, the variant was classified as uncertain significance.

Athena Diagnostics
Classification: Uncertain significance. Last evaluated: 2025-01-16. Review status: criteria provided, single submitter. Criteria: Athena Diagnostics Criteria. Collection method: clinical testing. Allele origin: unknown.
Comment: Available data are insufficient to determine the clinical significance of the variant at this time. The frequency of this variant in the general population is uninformative in assessment of its pathogenicity. Polyphen and MutationTaster yielded discordant predictions regarding whether this amino acid change is damaging to the protein.

Mayo Clinic Laboratories, Mayo Clinic
Classification: Uncertain significance. Last evaluated: 2023-10-17. Review status: criteria provided, single submitter. Criteria: ACMG Guidelines, 2015. Collection method: clinical testing. Allele origin: germline. Observed: 1 variant allele.

GeneDx
Classification: Uncertain significance. Last evaluated: 2023-02-10. Review status: criteria provided, single submitter. Criteria: GeneDx Variant Classification Process June 2021. Collection method: clinical testing. Allele origin: germline. Affected: yes.
Comment: Not observed at significant frequency in large population cohorts (gnomAD); In silico analysis supports that this missense variant has a deleterious effect on protein structure/function; Reported previously as a variant of uncertain significance in a patient with a suspected diagnosis of Charcot-Marie-Tooth disease; however, clinical and segregation information was not provided (Volodarsky et al., 2021); Previously reported as a variant of uncertain significance in an individual with PHARC syndrome who also homozygous for a nonsense variant in another gene associated with this syndrome (Thimm et al., 2020); This variant is associated with the following publications: (PMID: 32376792, 32077159, 25614874)

Illumina Laboratory Services, Illumina
Classification: Uncertain significance for Charcot-Marie-Tooth disease type 4C. Last evaluated: 2018-01-13. Review status: criteria provided, single submitter. Criteria: ICSL Variant Classification Criteria 13 December 2019. Collection method: clinical testing. Allele origin: germline.

Illumina Laboratory Services, Illumina
Classification: Uncertain significance for Susceptibility to mononeuropathy of the median nerve, mild. Last evaluated: 2018-01-13. Review status: criteria provided, single submitter. Criteria: ICSL Variant Classification Criteria 13 December 2019. Collection method: clinical testing. Allele origin: germline.

Molecular Genetics Laboratory, London Health Sciences Centre
Classification: Uncertain significance for Charcot-Marie-Tooth disease. Review status: criteria provided, single submitter. Criteria: ACMG Guidelines, 2015. Collection method: clinical testing. Allele origin: germline. Affected: yes.

Literature cited by the submitters: PubMed 32376792 (cited by 3 submitters); PubMed 32077159 (cited by Athena Diagnostics and Mayo Clinic Laboratories, Mayo Clinic).

NM_024577.4(SH3TC2):c.1721A>G (p.Asn574Ser)

Gene: SH3TC2 (SH3 domain and tetratricopeptide repeats 2; minus strand). Cytogenetic location: 5q32.
Variant type: single nucleotide variant.
Coding change: c.1721A>G on transcript NM_024577.4 (MANE Select); coding-DNA position 1721, A replaced by G.
Protein change: p.Asn574Ser; replaces asparagine 574 with serine.
Molecular consequence: missense variant.
Genome position (GRCh38, 1-based): chr5:149,028,011, T>C on the plus strand (A>G on the coding strand, the complement: SH3TC2 is on the minus strand). VCF-style: chr5-149028011-T-C. GRCh37 (hg19) VCF-style: chr5-148407574-T-C.
Other names: p.Asn574Ser; short protein forms N574S.
Identifiers: ClinVar variation 351913 (VCV000351913.24), dbSNP rs201256776, ClinGen allele CA3499137.